The following is an entry in ClinVar:

NM_004168.4(SDHA):c.1947_1948del (p.Asn650fs)

Gene: SDHA (succinate dehydrogenase complex flavoprotein subunit A; plus strand). Cytogenetic location: 5p15.33.
Variant type: Deletion.
Coding change: c.1947_1948del on transcript NM_004168.4 (MANE Select); coding-DNA positions 1947 to 1948, 2 bases deleted (GA; older notation c.1947_1948delGA).
Protein change: p.Asn650fs; shifts the reading frame from asparagine 650.
Molecular consequence: frameshift variant.
Genome position (GRCh38, 1-based): chr5:256,372-256,373, GA deleted. VCF-style (leftmost placement, unchanged base first): chr5-256371-TGA-T. GRCh37 (hg19) VCF-style: chr5-256486-TGA-T.
Other names: c.1803_1804del, p.Asn602fs (NM_001294332.2); c.1704_1705del, p.Asn569fs (NM_001330758.2); short protein forms N569fs, N602fs, N650fs.
Identifiers: ClinVar variation 4546600 (VCV004546600.1).

ClinVar aggregate classification (germline): Uncertain significance (1 of 4 stars; one submission).

Conditions:
Hereditary cancer-predisposing syndrome. Also called: Tumor predisposition; Hereditary Cancer Syndrome; Hereditary neoplastic syndrome; Neoplastic Syndromes, Hereditary. Identifiers: Orphanet 140162, MedGen C0027672, MeSH D009386, MONDO:0015356.

Submission:

Ambry Genetics
Classification: Uncertain significance for Hereditary cancer-predisposing syndrome. Last evaluated: 2025-09-15. Review status: criteria provided, single submitter. Criteria: Ambry Variant Classification Scheme 2023. Collection method: clinical testing. Allele origin: germline.
Comment: The c.1947_1948delGA variant, located in coding exon 15 of the SDHA gene, results from a deletion of two nucleotides at nucleotide positions 1947 to 1948, causing a translational frameshift with a predicted alternate stop codon (p.N650Rfs*3). This alteration occurs at the 3' terminus of the gene, is not expected to trigger nonsense-mediated mRNAdecay, and impacts the last 2.26% of the protein. The exact functional effect of this alteration is unknown. Based on the available evidence, the clinical significance of this variant remains unclear.